The following is an entry in ClinVar:

NM_000130.5(F5):c.4988T>C (p.Leu1663Ser)

Gene: F5 (coagulation factor V; minus strand). Cytogenetic location: 1q24.2.
Variant type: single nucleotide variant.
Coding change: c.4988T>C on transcript NM_000130.5 (MANE Select); coding-DNA position 4988, T replaced by C.
Protein change: p.Leu1663Ser; replaces leucine 1663 with serine.
Molecular consequence: missense variant.
Genome position (GRCh38, 1-based): chr1:169,531,006, A>G on the plus strand (T>C on the coding strand, the complement: F5 is on the minus strand). VCF-style: chr1-169531006-A-G. GRCh37 (hg19) VCF-style: chr1-169500244-A-G.
Other names: short protein forms L1663S.
Identifiers: ClinVar variation 1744556 (VCV001744556.2), dbSNP rs2526366942, ClinGen allele CA343134572.

ClinVar aggregate classification (germline): Uncertain significance (1 of 4 stars; one submission).

Conditions:
Inborn genetic diseases. Identifiers: MedGen C0950123, MeSH D030342.

Submission:

Ambry Genetics
Classification: Uncertain significance for Inborn genetic diseases. Last evaluated: 2022-03-25. Review status: criteria provided, single submitter. Criteria: Ambry Variant Classification Scheme 2023. Collection method: clinical testing. Allele origin: germline.
Comment: The p.L1663S variant (also known as c.4988T>C), located in coding exon 15 of the F5 gene, results from a T to C substitution at nucleotide position 4988. The leucine at codon 1663 is replaced by serine, an amino acid with dissimilar properties. This amino acid position is conserved. In addition, the in silico prediction for this alteration is inconclusive. Since supporting evidence is limited at this time, the clinical significance of this alteration remains unclear.